The following is an entry in ClinVar:

NM_001005373.4(LRSAM1):c.1522C>T (p.Arg508Cys)

Gene: LRSAM1 (leucine rich repeat and sterile alpha motif containing 1; plus strand). Cytogenetic location: 9q33.3.
Variant type: single nucleotide variant.
Coding change: c.1522C>T on transcript NM_001005373.4 (MANE Select); coding-DNA position 1522, C replaced by T.
Protein change: p.Arg508Cys; replaces arginine 508 with cysteine.
Molecular consequence: missense variant. On other transcripts: non-coding transcript variant (2).
Genome position (GRCh38, 1-based): chr9:127,492,820, C>T. VCF-style: chr9-127492820-C-T. GRCh37 (hg19) VCF-style: chr9-130255099-C-T.
Other names: c.1522C>T, p.Arg508Cys (NM_001005374.4, NM_001384142.1, NM_001384143.1 and 1 more transcripts); c.1441C>T, p.Arg481Cys (NM_001190723.3); c.733C>T, p.Arg245Cys (NM_001384144.1); c.1522C>T (NM_138361.4); short protein forms R508C, R481C, R245C.
Identifiers: ClinVar variation 952360 (VCV000952360.12), dbSNP rs375737634, ClinGen allele CA5247041.

ClinVar aggregate classification (germline): Uncertain significance. Review status: criteria provided, multiple submitters, no conflicts (2 of 4 stars). 3 submissions from 3 submitters: Uncertain significance (3). Last evaluated 2024-05-09.

Conditions:
Inborn genetic diseases. Identifiers: MedGen C0950123, MeSH D030342.
Charcot-Marie-Tooth disease axonal type 2P. Also called: CHARCOT-MARIE-TOOTH NEUROPATHY, TYPE 2P; Charcot-Marie-Tooth Neuropathy Type 2G; CHARCOT-MARIE-TOOTH DISEASE, AXONAL, TYPE 2G; CMT 2G. Identifiers: Orphanet 300319, Orphanet 99941, MedGen C3280797, MONDO:0013753, OMIM 614436.

Allele frequency attached by ClinVar (database versions not stated): gnomAD 0.00001; gnomAD exomes 0.00001; TOPMed 0.00001; ExAC 0.00003; ESP Exome Variant Server 0.00008.
gnomAD v4.1: 9 of 1,613,716 alleles (0.00056%); highest among the groups gnomAD compares: South Asian, 0.0055%; no homozygotes.

Submissions (3):

GeneDx
Classification: Uncertain significance. Last evaluated: 2024-05-09. Review status: criteria provided, single submitter. Criteria: GeneDx Variant Classification Process June 2021. Collection method: clinical testing. Allele origin: germline. Affected: yes.
Comment: In silico analysis supports that this missense variant has a deleterious effect on protein structure/function; Has not been previously published as pathogenic or benign to our knowledge

Ambry Genetics
Classification: Uncertain significance for Inborn genetic diseases. Last evaluated: 2022-02-09. Review status: criteria provided, single submitter. Criteria: Ambry Variant Classification Scheme 2023. Collection method: clinical testing. Allele origin: germline.
Comment: The p.R508C variant (also known as c.1522C>T), located in coding exon 19 of the LRSAM1 gene, results from a C to T substitution at nucleotide position 1522. The arginine at codon 508 is replaced by cysteine, an amino acid with highly dissimilar properties. This amino acid position is conserved. In addition, this alteration is predicted to be deleterious by in silico analysis. Since supporting evidence is limited at this time, the clinical significance of this alteration remains unclear.

Labcorp Genetics (formerly Invitae), Labcorp
Classification: Uncertain significance for Charcot-Marie-Tooth disease axonal type 2P. Last evaluated: 2021-04-23. Review status: criteria provided, single submitter. Criteria: Invitae Variant Classification Sherloc (09022015). Collection method: clinical testing. Allele origin: germline.
Comment: In summary, the available evidence is currently insufficient to determine the role of this variant in disease. Therefore, it has been classified as a Variant of Uncertain Significance. Algorithms developed to predict the effect of missense changes on protein structure and function (SIFT, PolyPhen-2, Align-GVGD) all suggest that this variant is likely to be disruptive, but these predictions have not been confirmed by published functional studies and their clinical significance is uncertain. This variant has not been reported in the literature in individuals with LRSAM1-related conditions. This variant is present in population databases (rs375737634, ExAC 0.01%). This sequence change replaces arginine with cysteine at codon 508 of the LRSAM1 protein (p.Arg508Cys). The arginine residue is highly conserved and there is a large physicochemical difference between arginine and cysteine.